The following is an entry in ClinVar:

ClinVar aggregate classification (germline): Uncertain significance (1 of 4 stars; one submission).

gnomAD v4.1: 6 of 1,610,786 alleles (0.00037%); highest among the groups gnomAD compares: Non-Finnish European, 0.00025%; no homozygotes.

Submission:

Labcorp Genetics (formerly Invitae), Labcorp
Classification: Uncertain significance. Last evaluated: 2022-10-05. Review status: criteria provided, single submitter. Criteria: Invitae Variant Classification Sherloc (09022015). Collection method: clinical testing. Allele origin: germline.
Comment: In summary, the available evidence is currently insufficient to determine the role of this variant in disease. Therefore, it has been classified as a Variant of Uncertain Significance. Algorithms developed to predict the effect of sequence changes on RNA splicing suggest that this variant may disrupt the consensus splice site. Algorithms developed to predict the effect of missense changes on protein structure and function are either unavailable or do not agree on the potential impact of this missense change (SIFT: "Deleterious"; PolyPhen-2: "Probably Damaging"; Align-GVGD: "Class C0"). This variant has not been reported in the literature in individuals affected with PROM1-related conditions. This variant is not present in population databases (gnomAD no frequency). This sequence change replaces glycine, which is neutral and non-polar, with valine, which is neutral and non-polar, at codon 845 of the PROM1 protein (p.Gly845Val).

NM_006017.3(PROM1):c.2534G>T (p.Gly845Val)

Gene: PROM1 (prominin 1; minus strand). Cytogenetic location: 4p15.32.
Variant type: single nucleotide variant.
Coding change: c.2534G>T on transcript NM_006017.3 (MANE Select); coding-DNA position 2534, G replaced by T.
Protein change: p.Gly845Val; replaces glycine 845 with valine.
Molecular consequence: missense variant. On other transcripts: intron variant (6).
Genome position (GRCh38, 1-based): chr4:15,979,443, C>A on the plus strand (G>T on the coding strand, the complement: PROM1 is on the minus strand). VCF-style: chr4-15979443-C-A. GRCh37 (hg19) VCF-style: chr4-15981066-C-A.
Other names: c.2507G>T, p.Gly836Val (NM_001145847.2, NM_001145848.2, NM_001371406.1); c.2462+979G>T (NM_001145852.2, NM_001371408.1, NM_001371407.1); c.2489+979G>T (NM_001145850.2); c.2486+438G>T (NM_001145851.2); c.2513+438G>T (NM_001145849.2); short protein forms G836V, G845V.
Identifiers: ClinVar variation 2120262 (VCV002120262.4), dbSNP rs1012374414, ClinGen allele CA356425819.
Genomic context (GRCh38, chr4:15,979,443, plus strand): 5'-ACTTTGCTTTACCTTGTCATAACAGGATTGTGAATACCATATACATGATCTTTATGATAA[C>A]CATTATTACCATTTTCCATACTGTAACAGAAATAAATACACCAAAAACACCATGTTATCT-3'
Protein context (NP_006008.1, residues 835-855): PMKNMENGNN[Gly845Val]YHKDHVYGIH